The following is an entry in ClinVar:

NM_015267.4(CUX2):c.2797G>A (p.Asp933Asn)

Gene: CUX2 (cut like homeobox 2; plus strand). Cytogenetic location: 12q24.12.
Variant type: single nucleotide variant.
Coding change: c.2797G>A on transcript NM_015267.4 (MANE Select); coding-DNA position 2797, G replaced by A.
Protein change: p.Asp933Asn; replaces aspartic acid 933 with asparagine.
Molecular consequence: missense variant.
Genome position (GRCh38, 1-based): chr12:111,322,451, G>A. VCF-style: chr12-111322451-G-A. GRCh37 (hg19) VCF-style: chr12-111760255-G-A.
Other names: c.2611G>A, p.Asp871Asn (NM_001370598.1); short protein forms D933N, D871N.
Identifiers: ClinVar variation 2136162 (VCV002136162.1), dbSNP rs2499875949, ClinGen allele CA386714368.

ClinVar aggregate classification (germline): Uncertain significance (1 of 4 stars; one submission).

Submission:

GeneDx
Classification: Uncertain significance. Last evaluated: 2023-01-20. Review status: criteria provided, single submitter. Criteria: GeneDx Variant Classification Process June 2021. Collection method: clinical testing. Allele origin: germline. Affected: yes.
Comment: Not observed in large population cohorts (gnomAD); In silico analysis supports that this missense variant has a deleterious effect on protein structure/function; Has not been previously published as pathogenic or benign to our knowledge